The following is an entry in ClinVar:

ClinVar aggregate classification (germline): Uncertain significance (1 of 4 stars; one submission).

Allele frequency attached by ClinVar (database versions not stated): gnomAD exomes below 0.00001.
gnomAD v4.1: 1 of 1,614,024 alleles (0.000062%); highest among the groups gnomAD compares: Non-Finnish European, 0.000085%; no homozygotes.

Submission:

GeneDx
Classification: Uncertain significance. Last evaluated: 2017-05-02. Review status: criteria provided, single submitter. Criteria: GeneDx Variant Classification (06012015). Collection method: clinical testing. Allele origin: germline. Affected: yes.
Comment: The variant has not been published as a pathogenic variant, nor has it been reported as a benign variant to our knowledge. The variant is not observed in large population cohorts (Lek et al., 2016; 1000 Genomes Consortium et al., 2015; Exome Variant Server). T197I is a non-conservative amino acid substitution, which is likely to impact secondary protein structure as these residues differ in polarity, charge, size and/or other properties. This substitution occurs at a position where amino acids with similar properties to Threonine are tolerated across species. In silico analysis predicts this variant is probably damaging to the protein structure/function. In summary, based on the currently available information, it is unclear whether this variant is a pathogenic variant or a rare benign variant.

NM_001079.4(ZAP70):c.590C>T (p.Thr197Ile)

Gene: ZAP70 (zeta chain of T cell receptor associated protein kinase 70; plus strand). Cytogenetic location: 2q11.2.
Variant type: single nucleotide variant.
Coding change: c.590C>T on transcript NM_001079.4 (MANE Select); coding-DNA position 590, C replaced by T.
Protein change: p.Thr197Ile; replaces threonine 197 with isoleucine.
Molecular consequence: missense variant.
Genome position (GRCh38, 1-based): chr2:97,732,909, C>T. VCF-style: chr2-97732909-C-T. GRCh37 (hg19) VCF-style: chr2-98349372-C-T.
Other names: c.590C>T, p.Thr197Ile (NM_001378594.1); short protein forms T197I.
Identifiers: ClinVar variation 426128 (VCV000426128.2), dbSNP rs1085307460, ClinGen allele CA347796778.